The following is an entry in ClinVar:

NM_014000.3(VCL):c.659dup (p.Asn220fs)

Gene: VCL (vinculin; plus strand). Cytogenetic location: 10q22.2.
Variant type: Duplication.
Coding change: c.659dup on transcript NM_014000.3 (MANE Select); coding-DNA position 659, one base duplicated (A; older notation c.659dupA).
Protein change: p.Asn220fs; shifts the reading frame from asparagine 220.
Molecular consequence: frameshift variant (on NM_014000.2).
Genome position (GRCh38, 1-based): chr10:74,074,779, A duplicated; the last of 6 consecutive A bases (chr10:74,074,774-74,074,779); duplicating any one gives the same sequence. VCF-style (leftmost placement, unchanged base first): chr10-74074773-C-CA. GRCh37 (hg19) VCF-style: chr10-75834531-C-CA.
Other names: NM_014000.2:c.659dupA; p.Asn220LysfsX21; c.659_660insA (NM_014000.2); c.659dup, p.Asn220fs (NM_003373.4); short protein forms N220fs.
Identifiers: ClinVar variation 45618 (VCV000045618.16), dbSNP rs397517245, ClinGen allele CA261764.

ClinVar aggregate classification (germline): Conflicting classifications of pathogenicity. Review status: criteria provided, conflicting classifications (1 of 4 stars). 5 submissions from 5 submitters: Likely pathogenic (1); Uncertain significance (4). Last evaluated 2026-01-08.

Conditions:
Cardiovascular phenotype. Identifiers: MedGen CN230736.
Dilated cardiomyopathy 1W (CMD1W). Identifiers: Orphanet 154, MedGen C1969639, MONDO:0012667, OMIM 611407.
Primary dilated cardiomyopathy (DCM). Also called: Dilated Cardiomyopathy. Identifiers: Orphanet 217604, MedGen C0007193, MeSH D002311, MONDO:0005021, HP:0001644. Inheritance: Various modes of inheritance.

Submissions (5):

Ambry Genetics
Classification: Uncertain significance for Cardiovascular phenotype. Last evaluated: 2026-01-08. Review status: criteria provided, single submitter. Criteria: Ambry Variant Classification Scheme 2023. Collection method: clinical testing. Allele origin: germline.
Comment: The c.659dupA variant, located in coding exon 6 of the VCL gene, results from a duplication of A at nucleotide position 659, causing a translational frameshift with a predicted alternate stop codon (p.N220Kfs*21). This variant was reported in individual(s) with features consistent with dilated cardiomyopathy (DCM); cardiomyopathy and atrial fibrillation (Pugh TJ et al. Genet Med, 2014 Aug;16:601-8; Deacon DC et al. Nat Biomed Eng, 2019 Feb;3:147-157; Yoneda ZT et al. JAMA Cardiol, 2021 Dec;6:1371-1379). This alteration is expected to result in protein truncation or nonsense-mediated mRNA decay. However, loss of function has not been established as a mechanism of disease. Based on the available evidence, the clinical significance of this alteration remains unclear.

Labcorp Genetics (formerly Invitae), Labcorp
Classification: Uncertain significance for Dilated cardiomyopathy 1W. Last evaluated: 2025-12-01. Review status: criteria provided, single submitter. Criteria: Invitae Variant Classification Sherloc (09022015). Collection method: clinical testing. Allele origin: germline.
Comment: This sequence change creates a premature translational stop signal (p.Asn220Lysfs*21) in the VCL gene. It is expected to result in an absent or disrupted protein product. However, the current clinical and genetic evidence is not sufficient to establish whether loss-of-function variants in VCL cause disease. This variant is present in population databases (rs770713697, gnomAD 0.01%). This premature translational stop signal has been observed in individual(s) with clinical features of VCL-related conditions (PMID: 27532257, 30923642, 34495297). ClinVar contains an entry for this variant (Variation ID: 45618). In summary, the available evidence is currently insufficient to determine the role of this variant in disease. Therefore, it has been classified as a Variant of Uncertain Significance.

Victorian Clinical Genetics Services, Murdoch Childrens Research Institute
Classification: Uncertain significance for Dilated cardiomyopathy 1W. Last evaluated: 2024-12-16. Review status: criteria provided, single submitter. Criteria: ACMG Guidelines, 2015. Collection method: clinical testing. Allele origin: germline. Affected: no.
Comment: This variant is classified as VUS-3B. Evidence in support of pathogenic classification: Variant is predicted to cause nonsense-mediated decay (NMD) and loss of protein (premature termination codon is located at least 54 nucleotides upstream of the final exon-exon junction); Variant is present in gnomAD <0.001 for a dominant condition (v4: 23 heterozygote(s), 0 homozygote(s)). Additional information: This variant is heterozygous; This gene is associated with autosomal dominant disease; Previous evidence of pathogenicity for this variant is inconclusive. This variant has been classified twice as VUS and once as likely pathogenic by clinical laboratories in ClinVar. It has also been identified in an individual with dilated cardiomyopathy (PMID: 27532257) and in a large family with dilated cardiomyopathy, affected heterozygous individuals were also heterozygous for a variant in TPM1 (PMID: 30923642); Segregation evidence for this variant is inconclusive. This variant was identified in a large family with dilated cardiomyopathy. Affected individuals in this family were heterozygous for this variant and a variant in TPM1. Individuals who only carried the VCL variant or only the TPM1 variant were unaffected (PMID: 30923642); No published functional evidence has been identified for this variant; Other premature termination variants comparable to the one identified in this case have conflicting previous evidence for pathogenicity. Other NMD-predicted variants have been classified as VUS, likely pathogenic or pathogenic by clinical laboratories and associated with cardiomyopathy, DCM, HCM, bradycardia, LVNC and ventricular tachycardia (ClinVar, PMID: 32516855); The mechanism of disease for this gene is not clearly established. However, null variants have been reported in patients and therefore loss-of-function is speculated (PMID: 32516855); The condition associated with this gene has incomplete penetrance. Asymptomatic carriers have been reported in families with null variants (PMID: 32516855); Inheritance information for this variant is not currently available in this individual.

Blueprint Genetics
Classification: Uncertain significance. Last evaluated: 2023-05-08. Review status: criteria provided, single submitter. Criteria: ACMG Guidelines, 2015. Collection method: clinical testing. Allele origin: germline.

Laboratory for Molecular Medicine, Mass General Brigham Personalized Medicine
Classification: Likely pathogenic for Primary dilated cardiomyopathy. Last evaluated: 2010-10-28. Review status: criteria provided, single submitter. Criteria: LMM Criteria. Collection method: clinical testing. Allele origin: germline. Observed: 3 variant alleles.
Comment: The Asn220fs variant has not been reported in the literature nor been identified in any other family tested by our laboratory. This variant is predicted to caus e a frameshift, which alters the protein's amino acid sequence beginning at codo n 220 and leads to a premature stop codon 20 amino acids downstream. This altera tion is then predicted to lead to a truncated or absent protein. In addition, 3 out of 13 VCL variants previously identified in DCM patients are loss of functio n variants (LMM unpublished data). Therefore, the Asn220fs variant is likely to be pathogenic.

Literature cited by the submitters: PubMed 24503780 (cited by Ambry Genetics); PubMed 30923642 (cited by 3 submitters); PubMed 34495297 (cited by Ambry Genetics and Labcorp Genetics (formerly Invitae), Labcorp); PubMed 27532257 (cited by Labcorp Genetics (formerly Invitae), Labcorp and Victorian Clinical Genetics Services, Murdoch Childrens Research Institute); PubMed 32516855 (cited by Victorian Clinical Genetics Services, Murdoch Childrens Research Institute).